The following is an entry in ClinVar:

NM_006206.6(PDGFRA):c.1786+9C>T

Gene: PDGFRA (platelet derived growth factor receptor alpha; plus strand). Cytogenetic location: 4q12.
Variant type: single nucleotide variant.
Coding change: c.1786+9C>T on transcript NM_006206.6 (MANE Select); 9 bases into the intron after coding-DNA position 1786, C replaced by T.
Molecular consequence: intron variant.
Genome position (GRCh38, 1-based): chr4:54,274,982, C>T. VCF-style: chr4-54274982-C-T. GRCh37 (hg19) VCF-style: chr4-55141149-C-T.
Other names: c.1861+9C>T (NM_001347828.2); c.1786+9C>T (NM_001347827.2, NM_001347829.2); c.1825+9C>T (NM_001347830.2).
Identifiers: ClinVar variation 528660 (VCV000528660.13), dbSNP rs1345566752, ClinGen allele CA551368740.

ClinVar aggregate classification (germline): Likely benign. Review status: criteria provided, multiple submitters, no conflicts (2 of 4 stars). 2 submissions from 2 submitters: Likely benign (2). Last evaluated 2026-06-15.

Conditions:
Polyps, multiple and recurrent inflammatory fibroid, gastrointestinal. Identifiers: MedGen C5193005, MONDO:0008285, OMIM 175510.
Gastrointestinal stromal tumor. Also called: Gastrointestinal stromal tumor, somatic; Gastrointestinal stroma tumor. Identifiers: Orphanet 44890, MedGen C0238198, MeSH D046152, MONDO:0011719, OMIM 606764, HP:0100723.

Allele frequency attached by ClinVar (database versions not stated): gnomAD exomes below 0.00001; TOPMed 0.00003; gnomAD 0.00004.
gnomAD v4.1: 10 of 1,613,868 alleles (0.00062%); highest among the groups gnomAD compares: African/African-American, 0.012%; no homozygotes.

Submissions (2):

Myriad Genetics, Inc.
Classification: Likely benign for Polyps, multiple and recurrent inflammatory fibroid, gastrointestinal. Last evaluated: 2026-06-15. Review status: criteria provided, single submitter. Criteria: Myriad Autosomal Dominant, Autosomal Recessive and X-Linked Classification Criteria (2023). Collection method: clinical testing. Allele origin: unknown.
Comment: This variant is considered likely benign. This variant is intronic and is not expected to impact mRNA splicing.

Labcorp Genetics (formerly Invitae), Labcorp
Classification: Likely benign for Gastrointestinal stromal tumor. Last evaluated: 2025-04-08. Review status: criteria provided, single submitter. Criteria: Invitae Variant Classification Sherloc (09022015). Collection method: clinical testing. Allele origin: germline.